The following is an entry in ClinVar:

NM_032043.3(BRIP1):c.3358_3359del (p.Asp1120fs)

Gene: BRIP1 (BRCA1 interacting DNA helicase 1; minus strand). Cytogenetic location: 17q23.2.
Variant type: Microsatellite.
Coding change: c.3358_3359del on transcript NM_032043.3 (MANE Select); coding-DNA positions 3358 to 3359, 2 bases deleted (GA; older notation c.3358_3359delGA).
Protein change: p.Asp1120fs; shifts the reading frame from aspartic acid 1120.
Molecular consequence: frameshift variant.
Genome position (GRCh38, 1-based): chr17:61,683,687-61,683,688, TC deleted on the plus strand (GA on the coding strand, the reverse complement: BRIP1 is on the minus strand); deleting any 2 consecutive bases within chr17:61,683,687-61,683,691 gives the same sequence; the c. name uses the placement nearest the transcript's 3' end. VCF-style (leftmost placement, unchanged base first): chr17-61683686-ATC-A. GRCh37 (hg19) VCF-style: chr17-59761047-ATC-A.
Other names: short protein forms D1120fs.
Identifiers: ClinVar variation 823656 (VCV000823656.14), dbSNP rs1603275179, ClinGen allele CA915950685.

ClinVar aggregate classification (germline): Uncertain significance. Review status: criteria provided, multiple submitters, no conflicts (2 of 4 stars). 2 submissions from 2 submitters: Uncertain significance (2). Last evaluated 2025-07-17.

Conditions:
Hereditary cancer-predisposing syndrome. Also called: Neoplastic Syndromes, Hereditary; Hereditary Cancer Syndrome; Hereditary neoplastic syndrome; Tumor predisposition. Identifiers: Orphanet 140162, MedGen C0027672, MeSH D009386, MONDO:0015356.
Fanconi anemia complementation group J. Also called: BRIP1-Related Fanconi Anemia. Identifiers: Orphanet 84, MedGen C1836860, MONDO:0012187, OMIM 609054.
Familial cancer of breast. Also called: hereditary breast carcinoma; BREAST CANCER, FAMILIAL; Hereditary breast cancer. Identifiers: Orphanet 227535, MedGen C0346153, MONDO:0016419, OMIM 114480. Disease mechanism: loss of function.

Submissions (2):

Labcorp Genetics (formerly Invitae), Labcorp
Classification: Uncertain significance for Familial cancer of breast; Fanconi anemia complementation group J. Last evaluated: 2025-07-17. Review status: criteria provided, single submitter. Criteria: Invitae Variant Classification Sherloc (09022015). Collection method: clinical testing. Allele origin: germline.
Comment: This sequence change creates a premature translational stop signal (p.Asp1120Phefs*2) in the BRIP1 gene. While this is not anticipated to result in nonsense mediated decay, it is expected to disrupt the last 130 amino acid(s) of the BRIP1 protein. This variant is not present in population databases (gnomAD no frequency). This variant has not been reported in the literature in individuals affected with BRIP1-related conditions. In summary, the available evidence is currently insufficient to determine the role of this variant in disease. Therefore, it has been classified as a Variant of Uncertain Significance.

Ambry Genetics
Classification: Uncertain significance for Hereditary cancer-predisposing syndrome. Last evaluated: 2025-05-02. Review status: criteria provided, single submitter. Criteria: Ambry Variant Classification Scheme 2023. Collection method: clinical testing. Allele origin: germline.
Comment: The c.3358_3359delGA variant, located in coding exon 19 of the BRIP1 gene, results from a deletion of two nucleotides at nucleotide positions 3358 to 3359, causing a translational frameshift with a predicted alternate stop codon (p.D1120Ffs*2). This alteration occurs at the 3' terminus of BRIP1 gene, is not expected to trigger nonsense-mediated mRNA decay, and only impacts the last 129 amino acids of the protein. The exact functional impact of these removed amino acids is unknown. While the C-terminal region of the BRIP1 protein has been shown by structural, biochemical, and mutational analysis to be relevant for some aspects of BRIP1 protein function (Gong Z et al. Mol. Cell, 2010 Feb;37:438-46; Leung CC et al. J. Biol. Chem. 2011 Feb; 286(6):4292-301; Xie J et al. PLoS Genet. 2012 Jul; 8(7):e1002786), functional studies have shown that truncations in the 3' terminus of BRIP1 display normal function in response to intra-strand cross-linking agents (Calvo JA et al. Mol Cancer Res, 2021 Jun;19:1015-1025). In addition, 3' truncations in BRIP1 occurring upstream of this variant have been detected in the homozygous or compound heterozygous state in individuals with no reported features of BRIP1-related Fanconi Anemia (FA-J) (Ambry internal data). Based on the available evidence, the clinical significance of this variant remains unclear.

Literature cited by the submitters: PubMed 20068231 (cited by Ambry Genetics).